The following is an entry in ClinVar:

NM_001330078.2(NRXN1):c.4437T>C (p.Asn1479=)

Gene: NRXN1 (neurexin 1; minus strand). Cytogenetic location: 2p16.3.
Variant type: single nucleotide variant.
Coding change: c.4437T>C on transcript NM_001330078.2 (MANE Select); coding-DNA position 4437, T replaced by C.
Protein change: p.Asn1479=; no amino-acid change (asparagine 1479 retained).
Molecular consequence: synonymous variant.
Genome position (GRCh38, 1-based): chr2:49,922,031, A>G on the plus strand (T>C on the coding strand, the complement: NRXN1 is on the minus strand). VCF-style: chr2-49922031-A-G. GRCh37 (hg19) VCF-style: chr2-50149169-A-G.
Other names: c.4557T>C, p.Asn1519= (NM_001135659.3); c.342T>C, p.Asn114= (NM_001320156.4); c.333T>C, p.Asn111= (NM_001320157.4); c.4413T>C, p.Asn1471= (NM_001330077.2); c.4404T>C, p.Asn1468= (NM_001330082.2); c.4272T>C, p.Asn1424= (NM_001330083.2); c.4371T>C, p.Asn1457= (NM_001330084.2); c.4410T>C, p.Asn1470= (NM_001330085.2); and 12 more.
Identifiers: ClinVar variation 740319 (VCV000740319.28), dbSNP rs1038096902, ClinGen allele CA47801015.

ClinVar aggregate classification (germline): Likely benign. Review status: criteria provided, multiple submitters, no conflicts (2 of 4 stars). 2 submissions from 2 submitters: Likely benign (2). Last evaluated 2026-01-17.

Conditions:
Pitt-Hopkins-like syndrome 2 (PTHSL2). Identifiers: Orphanet 221150, Orphanet 600663, MedGen C3280479, MONDO:0013690, OMIM 614325.

Allele frequency attached by ClinVar (database versions not stated): gnomAD 0.00001; gnomAD exomes 0.00001; TOPMed 0.00002.
gnomAD v4.1: 5 of 1,614,014 alleles (0.00031%); highest among the groups gnomAD compares: East Asian, 0.011%; no homozygotes.

Submissions (2):

Labcorp Genetics (formerly Invitae), Labcorp
Classification: Likely benign for Pitt-Hopkins-like syndrome 2. Last evaluated: 2026-01-17. Review status: criteria provided, single submitter. Criteria: Invitae Variant Classification Sherloc (09022015). Collection method: clinical testing. Allele origin: germline.

CeGaT Center for Human Genetics Tuebingen
Classification: Likely benign. Last evaluated: 2024-05-01. Review status: criteria provided, single submitter. Criteria: CeGaT Center For Human Genetics Tuebingen Variant Classification Criteria Version 2. Collection method: clinical testing. Allele origin: germline. Affected: yes. Observed: 1 variant allele.
Comment: NRXN1: BP4, BP7